The following is an entry in ClinVar:

NM_005633.4(SOS1):c.3241A>T (p.Asn1081Tyr)

Gene: SOS1 (SOS Ras/Rac guanine nucleotide exchange factor 1; minus strand). Cytogenetic location: 2p22.1.
Variant type: single nucleotide variant.
Coding change: c.3241A>T on transcript NM_005633.4 (MANE Select); coding-DNA position 3241, A replaced by T.
Protein change: p.Asn1081Tyr; replaces asparagine 1081 with tyrosine.
Molecular consequence: missense variant.
Genome position (GRCh38, 1-based): chr2:38,995,228, T>A on the plus strand (A>T on the coding strand, the complement: SOS1 is on the minus strand). VCF-style: chr2-38995228-T-A. GRCh37 (hg19) VCF-style: chr2-39222369-T-A.
Other names: c.3220A>T, p.Asn1074Tyr (NM_001382394.1); c.3241A>T, p.Asn1081Tyr (NM_001382395.1); short protein forms N1074Y, N1081Y.
Identifiers: ClinVar variation 5030008 (VCV005030008.1).

ClinVar aggregate classification (germline): Uncertain significance (1 of 4 stars; one submission).

Conditions:
Cardiovascular phenotype. Identifiers: MedGen CN230736.

Submission:

Ambry Genetics
Classification: Uncertain significance for Cardiovascular phenotype. Last evaluated: 2026-06-15. Review status: criteria provided, single submitter. Criteria: Ambry Variant Classification Scheme 2023. Collection method: clinical testing. Allele origin: germline.
Comment: The p.N1081Y variant (also known as c.3241A>T), located in coding exon 20 of the SOS1 gene, results from an A to T substitution at nucleotide position 3241. The asparagine at codon 1081 is replaced by tyrosine, an amino acid with dissimilar properties. This amino acid position is conserved. In addition, the in silico prediction for this alteration is inconclusive. Based on the available evidence, the clinical significance of this variant remains unclear.